The following is an entry in ClinVar:

NM_000069.3(CACNA1S):c.2228-7C>G

Gene: CACNA1S (calcium voltage-gated channel subunit alpha1 S; minus strand). Cytogenetic location: 1q32.1.
Variant type: single nucleotide variant.
Coding change: c.2228-7C>G on transcript NM_000069.3 (MANE Select); 7 bases into the intron before coding-DNA position 2228, C replaced by G.
Molecular consequence: intron variant.
Genome position (GRCh38, 1-based): chr1:201,070,411, G>C on the plus strand (C>G on the coding strand, the complement: CACNA1S is on the minus strand). VCF-style: chr1-201070411-G-C. GRCh37 (hg19) VCF-style: chr1-201039539-G-C.
Identifiers: ClinVar variation 3074070 (VCV003074070.1), dbSNP rs2464539927, ClinGen allele CA2825000883.

ClinVar aggregate classification (germline): Uncertain significance (1 of 4 stars; one submission).

Conditions:
Malignant hyperthermia, susceptibility to, 5 (MHS5). Also called: CACNA1S-Related Malignant Hyperthermia Susceptibility. Identifiers: Orphanet 423, MedGen C1866077, MONDO:0011163, OMIM 601887.

Submission:

All of Us Research Program, National Institutes of Health
Classification: Uncertain significance for Malignant hyperthermia, susceptibility to, 5. Last evaluated: 2023-10-23. Review status: criteria provided, single submitter. Criteria: ACMG Guidelines, 2015. Collection method: clinical testing. Allele origin: germline. Inheritance: Autosomal dominant inheritance. Observed: 1 variant allele, 1 heterozygote.
Comment: This variant causes a C to G nucleotide substitution at the -7 position of intron 16 of the CACNA1S gene. To our knowledge, functional studies have not been reported for this variant. This variant has not been reported in individuals affected with CACNA1S-related disorders in the literature. This variant has not been identified in the general population by the Genome Aggregation Database (gnomAD). The available evidence is insufficient to determine the role of this variant in disease conclusively. Therefore, this variant is classified as a Variant of Uncertain Significance.

This study involves interpretation of variants in research participants for the purpose of population health screening. Participant phenotype was not available at the time of variant classification. Additional details can be found in publication PMID: 35346344, PMCID: PMC8962531